The following is an entry in ClinVar:

NM_198253.3(TERT):c.698C>T (p.Pro233Leu)

Gene: TERT (telomerase reverse transcriptase; minus strand). Cytogenetic location: 5p15.33.
Variant type: single nucleotide variant.
Coding change: c.698C>T on transcript NM_198253.3 (MANE Select); coding-DNA position 698, C replaced by T.
Protein change: p.Pro233Leu; replaces proline 233 with leucine.
Molecular consequence: missense variant. On other transcripts: non-coding transcript variant (2).
Genome position (GRCh38, 1-based): chr5:1,294,188, G>A on the plus strand (C>T on the coding strand, the complement: TERT is on the minus strand). VCF-style: chr5-1294188-G-A. GRCh37 (hg19) VCF-style: chr5-1294303-G-A.
Other names: c.698C>T, p.Pro233Leu (NM_001193376.3, NM_003219.1); short protein forms P233L.
Identifiers: ClinVar variation 2679144 (VCV002679144.3), dbSNP rs1378504685, ClinGen allele CA359057002.

ClinVar aggregate classification (germline): Uncertain significance. Review status: criteria provided, multiple submitters, no conflicts (2 of 4 stars). 2 submissions from 2 submitters: Uncertain significance (2). Last evaluated 2024-07-31.

Conditions:
Dyskeratosis congenita. Identifiers: Orphanet 1775, MedGen C0265965, MONDO:0015780.
Dyskeratosis congenita, autosomal dominant 2. Identifiers: MedGen C3151443, MONDO:0013521, OMIM 613989.

Allele frequency attached by ClinVar (database versions not stated): TOPMed below 0.00001; gnomAD 0.00001.
gnomAD v4.1: 3 of 1,581,494 alleles (0.00019%); highest among the groups gnomAD compares: Non-Finnish European, 0.00017%; no homozygotes.

Submissions (2):

Ambry Genetics
Classification: Uncertain significance for Dyskeratosis congenita. Last evaluated: 2024-07-31. Review status: criteria provided, single submitter. Criteria: Ambry Variant Classification Scheme 2023. Collection method: clinical testing. Allele origin: germline.
Comment: The p.P233L variant (also known as c.698C>T), located in coding exon 2 of the TERT gene, results from a C to T substitution at nucleotide position 698. The proline at codon 233 is replaced by leucine, an amino acid with similar properties. This amino acid position is conserved. In addition, the in silico prediction for this alteration is inconclusive. Based on the available evidence, the clinical significance of this variant remains unclear.

Baylor Genetics
Classification: Uncertain significance for Dyskeratosis congenita, autosomal dominant 2. Last evaluated: 2024-01-04. Review status: criteria provided, single submitter. Criteria: ACMG Guidelines, 2015. Collection method: clinical testing. Allele origin: unknown.